The following is an entry in ClinVar:

ClinVar aggregate classification (germline): Likely benign. Review status: criteria provided, multiple submitters, no conflicts (2 of 4 stars). 4 submissions from 4 submitters: Likely benign (3). 1 of the submissions does not count toward it. Last evaluated 2026-02-01.

Conditions:
CACNA1H-related disorder.
Hyperaldosteronism, familial, type IV (HALD4). Also called: FH IV; ALDOSTERONISM, PRIMARY, AND HYPERTENSION. Identifiers: Orphanet 642671, MedGen C4310756, MONDO:0014875, OMIM 617027.
Idiopathic generalized epilepsy. Also called: Generalised epilepsy; EIG. Identifiers: MedGen C0270850, MONDO:0005579, OMIM 600669.

Allele frequency attached by ClinVar (database versions not stated): TOPMed 0.00007; 1000 Genomes Project 30x 0.00078; 1000 Genomes Project 0.00080.
gnomAD v4.1: 168 of 1,565,512 alleles (0.011%); highest among the groups gnomAD compares: Admixed American, 0.051%; no homozygotes.

Submissions (4):

Labcorp Genetics (formerly Invitae), Labcorp
Classification: Likely benign for Idiopathic generalized epilepsy; Hyperaldosteronism, familial, type IV. Last evaluated: 2026-02-01. Review status: criteria provided, single submitter. Criteria: Invitae Variant Classification Sherloc (09022015). Collection method: clinical testing. Allele origin: germline.

Blueprint Genetics
Classification: Likely benign. Last evaluated: 2024-06-19. Review status: criteria provided, single submitter. Criteria: ACMG Guidelines, 2015. Collection method: clinical testing. Allele origin: germline.

CeGaT Center for Human Genetics Tuebingen
Classification: Likely benign. Last evaluated: 2024-03-01. Review status: criteria provided, single submitter. Criteria: CeGaT Center For Human Genetics Tuebingen Variant Classification Criteria Version 2. Collection method: clinical testing. Allele origin: germline. Affected: yes. Observed: 1 variant allele.
Comment: CACNA1H: BP4

PreventionGenetics, part of Exact Sciences
Classification: Likely benign for CACNA1H-related condition. Last evaluated: 2019-02-27. Review status: no assertion criteria provided. Collection method: clinical testing. Allele origin: germline. Not counted in ClinVar's aggregate classification.
Comment: This variant is classified as likely benign based on ACMG/AMP sequence variant interpretation guidelines (Richards et al. 2015 PMID: 25741868, with internal and published modifications).

NM_021098.3(CACNA1H):c.1120-5C>G

Gene: CACNA1H (calcium voltage-gated channel subunit alpha1 H; plus strand). Cytogenetic location: 16p13.3.
Variant type: single nucleotide variant.
Coding change: c.1120-5C>G on transcript NM_021098.3 (MANE Select); 5 bases into the intron before coding-DNA position 1120, C replaced by G.
Molecular consequence: intron variant.
Genome position (GRCh38, 1-based): chr16:1,200,711, C>G. VCF-style: chr16-1200711-C-G. GRCh37 (hg19) VCF-style: chr16-1250711-C-G.
Other names: c.1120-5C>G (NM_001005407.2).
Identifiers: ClinVar variation 529663 (VCV000529663.33), dbSNP rs188397970, ClinGen allele CA7799817.